The following is an entry in ClinVar:

ClinVar aggregate classification (germline): Pathogenic (1 of 4 stars; one submission).

Conditions:
Sandhoff disease. Also called: HEXOSAMINIDASES A AND B DEFICIENCY; Beta-hexosaminidase-beta-subunit deficiency; GM2 gangliosidosis, type 2; Total hexosaminidase deficiency; Sandhoff-Jatzkewitz-Pilz disease; GM2-GANGLIOSIDOSIS, TYPE II. Identifiers: Orphanet 796, MedGen C0036161, MONDO:0010006, OMIM 268800.

Submission:

Myriad Genetics, Inc.
Classification: Pathogenic for Sandhoff disease. Last evaluated: 2026-07-28. Review status: criteria provided, single submitter. Criteria: Myriad Autosomal Dominant, Autosomal Recessive and X-Linked Classification Criteria (2023). Collection method: clinical testing. Allele origin: unknown.
Comment: NM_000521.3(HEXB):c.370delG(V124Ffs*30) is expected to be pathogenic in the context of Sandhoff disease. This variant is predicted to lead to an abnormal or absent protein product due to the creation of a premature termination codon in HEXB, a gene where loss-of-function variants are known to be pathogenic. Please note: this variant was assessed in the context of healthy population screening.

NM_000521.4(HEXB):c.370del (p.Val124fs)

Gene: HEXB (hexosaminidase subunit beta; plus strand). Cytogenetic location: 5q13.3.
Variant type: Deletion.
Coding change: c.370del on transcript NM_000521.4 (MANE Select); coding-DNA position 370, one base deleted (G; older notation c.370delG).
Protein change: p.Val124fs; shifts the reading frame from valine 124.
Molecular consequence: frameshift variant. On other transcripts: 5 prime UTR variant (1).
Genome position (GRCh38, 1-based): chr5:74,689,398, G deleted; the last of 2 consecutive G bases (chr5:74,689,397-74,689,398); deleting either gives the same sequence. VCF-style (leftmost placement, unchanged base first): chr5-74689396-AG-A. GRCh37 (hg19) VCF-style: chr5-73985221-AG-A.
Other names: c.-306del (NM_001292004.2); short protein forms V124fs.
Identifiers: ClinVar variation 5016168 (VCV005016168.1).
Genomic context (GRCh38, chr5:74,689,396, plus strand): 5'-GCTATATTTTTGGTTTCTACAAGTGGCATCATGAACCTGCTGAATTCCAGGCTAAAACCC[AG>A]GTTCAGCAACTTCTTGTCTCAATCACCCTTCAGTCAGAGTGTGATGCTTTCCCCAACATA-3'